The following is an entry in ClinVar:

NM_001081.4(CUBN):c.5985C>A (p.Gly1995=)

Gene: CUBN (cubilin; minus strand). Cytogenetic location: 10p13.
Variant type: single nucleotide variant.
Coding change: c.5985C>A on transcript NM_001081.4 (MANE Select); coding-DNA position 5985, C replaced by A.
Protein change: p.Gly1995=; no amino-acid change (glycine 1995 retained).
Molecular consequence: synonymous variant.
Genome position (GRCh38, 1-based): chr10:16,933,226, G>T on the plus strand (C>A on the coding strand, the complement: CUBN is on the minus strand). VCF-style: chr10-16933226-G-T. GRCh37 (hg19) VCF-style: chr10-16975225-G-T.
Identifiers: ClinVar variation 2724896 (VCV002724896.5), dbSNP rs1053137764, ClinGen allele CA203581413.

ClinVar aggregate classification (germline): Likely benign. Review status: criteria provided, single submitter (1 of 4 stars). 2 submissions from 2 submitters: Likely benign (1). 1 of the submissions does not count toward it. Last evaluated 2025-06-02.

Conditions:
Imerslund-Grasbeck syndrome. Also called: ENTEROCYTE COBALAMIN MALABSORPTION; ENTEROCYTE INTRINSIC FACTOR RECEPTOR, DEFECT OF; Imerslund-Gräsbeck syndrome; PERNICIOUS ANEMIA, JUVENILE, DUE TO SELECTIVE INTESTINAL MALABSORPTION OF VITAMIN B12, WITH PROTEINURIA; Megaloblastic anemia due to inborn errors of metabolism. Identifiers: Orphanet 35858, MedGen C4551825, MONDO:0009853.
CUBN-related disorder. Also called: CUBN-related condition.

Allele frequency attached by ClinVar (database versions not stated): gnomAD 0.00001.
gnomAD v4.1: 3 of 1,613,930 alleles (0.00019%); highest among the groups gnomAD compares: Non-Finnish European, 0.00025%; no homozygotes.

Submissions (2):

Labcorp Genetics (formerly Invitae), Labcorp
Classification: Likely benign for Imerslund-Grasbeck syndrome. Last evaluated: 2025-06-02. Review status: criteria provided, single submitter. Criteria: Invitae Variant Classification Sherloc (09022015). Collection method: clinical testing. Allele origin: germline.

PreventionGenetics, part of Exact Sciences
Classification: Likely benign for CUBN-related condition. Last evaluated: 2022-12-20. Review status: no assertion criteria provided. Collection method: clinical testing. Allele origin: germline. Not counted in ClinVar's aggregate classification.
Comment: This variant is classified as likely benign based on ACMG/AMP sequence variant interpretation guidelines (Richards et al. 2015 PMID: 25741868, with internal and published modifications).